The following is an entry in ClinVar:

ClinVar aggregate classification (germline): Uncertain significance (1 of 4 stars; one submission).

Conditions:
Fanconi anemia (FA). Also called: Fanconi's anemia. Identifiers: Orphanet 84, MedGen C0015625, MeSH D005199, MONDO:0019391.

gnomAD v4.1: 4 of 1,614,102 alleles (0.00025%); highest among the groups gnomAD compares: Non-Finnish European, 0.00025%; no homozygotes.

Submission:

Labcorp Genetics (formerly Invitae), Labcorp
Classification: Uncertain significance for Fanconi anemia. Last evaluated: 2022-07-24. Review status: criteria provided, single submitter. Criteria: Invitae Variant Classification Sherloc (09022015). Collection method: clinical testing. Allele origin: germline.
Comment: This sequence change replaces alanine, which is neutral and non-polar, with threonine, which is neutral and polar, at codon 254 of the FANCF protein (p.Ala254Thr). This variant is not present in population databases (gnomAD no frequency). This variant has not been reported in the literature in individuals affected with FANCF-related conditions. Algorithms developed to predict the effect of missense changes on protein structure and function output the following: SIFT: "Tolerated"; PolyPhen-2: "Benign"; Align-GVGD: "Class C0". The threonine amino acid residue is found in multiple mammalian species, which suggests that this missense change does not adversely affect protein function. In summary, the available evidence is currently insufficient to determine the role of this variant in disease. Therefore, it has been classified as a Variant of Uncertain Significance.

NM_022725.4(FANCF):c.760G>A (p.Ala254Thr)

Gene: FANCF (FA complementation group F; minus strand). Cytogenetic location: 11p14.3.
Variant type: single nucleotide variant.
Coding change: c.760G>A on transcript NM_022725.4 (MANE Select); coding-DNA position 760, G replaced by A.
Protein change: p.Ala254Thr; replaces alanine 254 with threonine.
Molecular consequence: missense variant.
Genome position (GRCh38, 1-based): chr11:22,625,051, C>T on the plus strand (G>A on the coding strand, the complement: FANCF is on the minus strand). VCF-style: chr11-22625051-C-T. GRCh37 (hg19) VCF-style: chr11-22646597-C-T.
Other names: short protein forms A254T.
Identifiers: ClinVar variation 2176140 (VCV002176140.1), dbSNP rs1480001146, ClinGen allele CA380058378.